The following is an entry in ClinVar:

NM_032793.5(MFSD2A):c.1393C>T (p.Arg465Cys)

Gene: MFSD2A (MFSD2 lysolipid transporter A, lysophospholipid; plus strand). Cytogenetic location: 1p34.2.
Variant type: single nucleotide variant.
Coding change: c.1393C>T on transcript NM_032793.5 (MANE Select); coding-DNA position 1393, C replaced by T.
Protein change: p.Arg465Cys; replaces arginine 465 with cysteine.
Molecular consequence: missense variant. On other transcripts: non-coding transcript variant (1).
Genome position (GRCh38, 1-based): chr1:39,968,609, C>T. VCF-style: chr1-39968609-C-T. GRCh37 (hg19) VCF-style: chr1-40434281-C-T.
Other names: c.1432C>T, p.Arg478Cys (NM_001136493.3); c.925C>T, p.Arg309Cys (NM_001287808.2); c.1276C>T, p.Arg426Cys (NM_001287809.2); c.1387C>T, p.Arg463Cys (NM_001349821.2); c.1309C>T, p.Arg437Cys (NM_001349822.2); c.1048C>T, p.Arg350Cys (NM_001349823.2); c.1432C>T (NM_001136493.1); short protein forms R437C, R463C, R465C, R309C, R426C, R478C, R350C.
Identifiers: ClinVar variation 1361464 (VCV001361464.6), dbSNP rs200295199, ClinGen allele CA788984.

ClinVar aggregate classification (germline): Uncertain significance. Review status: criteria provided, multiple submitters, no conflicts (2 of 4 stars). 2 submissions from 2 submitters: Uncertain significance (2). Last evaluated 2025-10-02.

Conditions:
Inborn genetic diseases. Identifiers: MedGen C0950123, MeSH D030342.

Submissions (2):

Ambry Genetics
Classification: Uncertain significance for Inborn genetic diseases. Last evaluated: 2025-10-02. Review status: criteria provided, single submitter. Criteria: Ambry Variant Classification Scheme 2023. Collection method: clinical testing. Allele origin: germline.

Labcorp Genetics (formerly Invitae), Labcorp
Classification: Uncertain significance. Last evaluated: 2021-09-01. Review status: criteria provided, single submitter. Criteria: Invitae Variant Classification Sherloc (09022015). Collection method: clinical testing. Allele origin: germline.
Comment: This sequence change replaces arginine with cysteine at codon 478 of the MFSD2A protein (p.Arg478Cys). The arginine residue is weakly conserved and there is a large physicochemical difference between arginine and cysteine. This variant is present in population databases (rs200295199, ExAC 0.006%). This variant has not been reported in the literature in individuals affected with MFSD2A-related conditions. Algorithms developed to predict the effect of missense changes on protein structure and function are either unavailable or do not agree on the potential impact of this missense change (SIFT: "Deleterious"; PolyPhen-2: "Possibly Damaging"; Align-GVGD: "Class C0"). In summary, the available evidence is currently insufficient to determine the role of this variant in disease. Therefore, it has been classified as a Variant of Uncertain Significance.